The following is an entry in ClinVar:

ClinVar aggregate classification (germline): Uncertain significance. Review status: criteria provided, single submitter (1 of 4 stars). 2 submissions from 1 submitter: Uncertain significance (2).

Conditions:
Maturity-onset diabetes of the young (MODY). Also called: Maturity onset diabetes mellitus in young. Identifiers: Orphanet 552, MedGen C0342276, MONDO:0018911, HP:0004904.
Transitory neonatal diabetes mellitus. Also called: Transient neonatal diabetes mellitus. Identifiers: MedGen C0342273, MONDO:0020525, HP:0008255.

Allele frequency attached by ClinVar (database versions not stated): gnomAD exomes below 0.00001; ExAC 0.00001.
gnomAD v4.1: 6 of 1,613,738 alleles (0.00037%); highest among the groups gnomAD compares: Non-Finnish European, 0.00051%; no homozygotes.

Submissions (2):

Clinical Genomics, Uppaluri K&H Personalized Medicine Clinic
Classification: Uncertain significance for Transitory neonatal diabetes mellitus. Review status: criteria provided, single submitter. Criteria: K & H Uppaluri Personalized Medicine Clinic Variant Classification & Assertion Criteria_Updated V.1. Collection method: research. Allele origin: somatic. Inheritance: Somatic mutation.
Comment: Mutations in ABCC8 gene are associated with both neonatal diabetes mellitus as well as MODY. Patients with this mutation may have a better response to sulfonylureas. However, no sufficient evidence is found to ascertain the role of this particular variant (rs760433463) in neonatal diabetes yet.

Clinical Genomics, Uppaluri K&H Personalized Medicine Clinic
Classification: Uncertain significance for Maturity-onset diabetes of the young. Review status: criteria provided, single submitter. Criteria: K & H Uppaluri Personalized Medicine Clinic Variant Classification & Assertion Criteria_Updated V.1. Collection method: research. Allele origin: somatic. Inheritance: Somatic mutation.
Comment: Mutations in ABCC8 gene are associated with both neonatal diabetes mellitus as well as MODY. Patients with this mutation may have a better response to sulfonylureas. However, no sufficient evidence is found to ascertain the role of this particular variant (rs760433463) in MODY yet.

Literature cited by the submitters: PubMed 16885549; PubMed 21989597; PubMed 27538677; PubMed 18981553; PubMed 32027066; PubMed 16613899; PubMed 18025408; PubMed 32792356.

NM_000352.6(ABCC8):c.4545+4G>C

Gene: ABCC8 (ATP binding cassette subfamily C member 8; minus strand). Cytogenetic location: 11p15.1.
Variant type: single nucleotide variant.
Coding change: c.4545+4G>C on transcript NM_000352.6 (MANE Select); 4 bases into the intron after coding-DNA position 4545, G replaced by C.
Molecular consequence: intron variant.
Genome position (GRCh38, 1-based): chr11:17,394,262, C>G on the plus strand (G>C on the coding strand, the complement: ABCC8 is on the minus strand). VCF-style: chr11-17394262-C-G. GRCh37 (hg19) VCF-style: chr11-17415809-C-G.
Other names: c.4542+4G>C (NM_001351297.2); c.4545+4G>C (NM_001351296.2); c.4611+4G>C (NM_001351295.2); c.4548+4G>C (NM_001287174.3).
Identifiers: ClinVar variation 1684036 (VCV001684036.1), dbSNP rs760433463, ClinGen allele CA5902450.
Genomic context (GRCh38, chr11:17,394,262, plus strand): 5'-TCTCCCTAGCATCCCACTAAACCCTTTCCAAGACCATGGTCCCATGGAGGGGCCCAGGAC[C>G]AACCGTGGCCATGTCAATGGAAGCCGTGGCCTCGTCCATGATGAAGATGCTGGTCTTCCT-3'